The following is an entry in ClinVar:

ClinVar aggregate classification (germline): Uncertain significance (0 of 4 stars; one submission).

Conditions:
Polycystic kidney disease. Also called: Polycystic kidney dysplasia; Kidney, Polycystic. Identifiers: MedGen C0022680, MeSH D007690, MONDO:0020642, HP:0000113.

Submission:

Department of Pathology and Laboratory Medicine, Sinai Health System
Classification: Uncertain significance for Polycystic Kidney disease. Review status: no assertion criteria provided. Collection method: clinical testing. Allele origin: unknown. Affected: yes. Study: The Canadian Open Genetics Repository (COGR).
Comment: The PKD1 p.Pro2108_Glu2111del variant was not identified in the literature nor was it identified in the dbSNP, ClinVar, GeneInsight-COGR, LOVD 3.0, ADPKD Mutation Database, PKD1-LOVD, databases. The variant was not identified in the following control databases: the 1000 Genomes Project, the NHLBI GO Exome Sequencing Project, the Exome Aggregation Consortium (August 8th 2016), or the Genome Aggregation Database (Feb 27, 2017). This variant is an in-frame deletion resulting in the removal of a proline (pro) residue at codon 2108; the impact of this alteration on PKD1 protein function is not known. The variant occurs outside of the splicing consensus sequence and 2 of 5 in silico or computational prediction software programs (SpliceSiteFinder, MaxEntScan, NNSPLICE, GeneSplicer, HumanSpliceFinder) predict a greater than 10% difference in splicing; this is not very predictive of pathogenicity. In summary, based on the above information, the clinical significance of this variant cannot be determined with certainty at this time. This variant is classified as a variant of uncertain significance.

NM_001009944.3(PKD1):c.6323_6334del (p.Pro2108_Glu2111del)

Gene: PKD1 (polycystin 1, transient receptor potential channel interacting; minus strand). Cytogenetic location: 16p13.3.
Variant type: Deletion.
Coding change: c.6323_6334del on transcript NM_001009944.3 (MANE Select); coding-DNA positions 6323 to 6334, 12 bases deleted (CCAGGGCCGAGC).
Protein change: p.Pro2108_Glu2111del.
Molecular consequence: inframe deletion.
Genome position (GRCh38, 1-based): chr16:2,108,833-2,108,844, GCTCGGCCCTGG deleted on the plus strand (CCAGGGCCGAGC on the coding strand, the reverse complement: PKD1 is on the minus strand); deleting any 12 consecutive bases within chr16:2,108,833-2,108,848 gives the same sequence; the c. name uses the placement nearest the transcript's 3' end. VCF-style (leftmost placement, unchanged base first): chr16-2108832-TGCTCGGCCCTGG-T. GRCh37 (hg19) VCF-style: chr16-2158833-TGCTCGGCCCTGG-T.
Other names: c.6323_6334del, p.Pro2108_Glu2111del (NM_000296.4).
Identifiers: ClinVar variation 997122 (VCV000997122.1), dbSNP rs2092427430, ClinGen allele CA2202045852.